The following is an entry in ClinVar:

NM_000257.4(MYH7):c.3340C>A (p.Arg1114Ser)

Gene: MYH7 (myosin heavy chain 7; minus strand). Cytogenetic location: 14q11.2.
Variant type: single nucleotide variant.
Coding change: c.3340C>A on transcript NM_000257.4 (MANE Select); coding-DNA position 3340, C replaced by A.
Protein change: p.Arg1114Ser; replaces arginine 1114 with serine.
Molecular consequence: missense variant.
Genome position (GRCh38, 1-based): chr14:23,420,231, G>T on the plus strand (C>A on the coding strand, the complement: MYH7 is on the minus strand). VCF-style: chr14-23420231-G-T. GRCh37 (hg19) VCF-style: chr14-23889440-G-T.
Other names: short protein forms R1114S.
Identifiers: ClinVar variation 925006 (VCV000925006.7), dbSNP rs1204830698, ClinGen allele CA389044217.
Genomic context (GRCh38, chr14:23,420,231, plus strand): 5'-TCTCCACCTTAGCCCTGGCGGTGCGCTCGGCCTCCAGCTCCTCCTCCAGCTCCTCGATGC[G>T]TGCCTGGTCAGACACAAAGGGCTCAGACCCACCGCCTGGACCCCTCCACTGGAATCCCCC-3'
Protein context (NP_000248.2, residues 1104-1124): LQKKLKELQA[Arg1114Ser]IEELEEELEA

ClinVar aggregate classification (germline): Uncertain significance. Review status: criteria provided, multiple submitters, no conflicts (2 of 4 stars). 2 submissions from 2 submitters: Uncertain significance (2). Last evaluated 2025-01-09.

Conditions:
Cardiomyopathy (CMYO). Also called: Cardiomyopathies. Identifiers: Orphanet 167848, MedGen C0878544, MONDO:0004994, HP:0001638. Inheritance: Various modes of inheritance.
Hypertrophic cardiomyopathy. Also called: HYPERTROPHIC MYOCARDIOPATHY. Identifiers: Orphanet 217569, MedGen C0007194, MeSH D002312, MONDO:0005045, HP:0001639.

Submissions (2):

Labcorp Genetics (formerly Invitae), Labcorp
Classification: Uncertain significance for Hypertrophic cardiomyopathy. Last evaluated: 2025-01-09. Review status: criteria provided, single submitter. Criteria: Invitae Variant Classification Sherloc (09022015). Collection method: clinical testing. Allele origin: germline.
Comment: This sequence change replaces arginine, which is basic and polar, with serine, which is neutral and polar, at codon 1114 of the MYH7 protein (p.Arg1114Ser). This variant is not present in population databases (gnomAD no frequency). This variant has not been reported in the literature in individuals affected with MYH7-related conditions. ClinVar contains an entry for this variant (Variation ID: 925006). Invitae Evidence Modeling of protein sequence and biophysical properties (such as structural, functional, and spatial information, amino acid conservation, physicochemical variation, residue mobility, and thermodynamic stability) indicates that this missense variant is expected to disrupt MYH7 protein function with a positive predictive value of 95%. In summary, the available evidence is currently insufficient to determine the role of this variant in disease. Therefore, it has been classified as a Variant of Uncertain Significance.

Color Diagnostics, LLC DBA Color Health
Classification: Uncertain significance for Cardiomyopathy. Last evaluated: 2024-08-26. Review status: criteria provided, single submitter. Criteria: ACMG Guidelines, 2015. Collection method: clinical testing. Allele origin: germline.
Comment: This missense variant replaces arginine with serine at codon 1114 of the MYH7 protein. Computational prediction tools indicate that this variant has a deleterious impact on protein structure and function. To our knowledge, functional studies have not been reported for this variant. This variant has not been reported in individuals affected with MYH7-related disorders in the literature. This variant has not been identified in the general population by the Genome Aggregation Database (gnomAD). The available evidence is insufficient to determine the role of this variant in disease conclusively. Therefore, this variant is classified as a Variant of Uncertain Significance.